The following is an entry in ClinVar:

ClinVar aggregate classification (germline): Likely pathogenic (1 of 4 stars; one submission).

Submission:

Labcorp Genetics (formerly Invitae), Labcorp
Classification: Likely pathogenic. Last evaluated: 2019-03-30. Review status: criteria provided, single submitter. Criteria: Invitae Variant Classification Sherloc (09022015). Collection method: clinical testing. Allele origin: germline.
Comment: This sequence change affects a donor splice site in intron 10 of the XPC gene. It is expected to disrupt RNA splicing and likely results in an absent or disrupted protein product. This variant is not present in population databases (ExAC no frequency). Disruption of this splice site has been observed in an individual affected with xeroderma pigmentosum (PMID: 9804340). Donor and acceptor splice site variants typically lead to a loss of protein function (PMID: 16199547), and loss-of-function variants in XPC are known to be pathogenic (PMID: 23173980, 25256075). In summary, the currently available evidence indicates that the variant is pathogenic, but additional data are needed to prove that conclusively. Therefore, this variant has been classified as Likely Pathogenic.

Literature cited by the submitters: PubMed 9804340; PubMed 16199547; PubMed 23173980; PubMed 25256075.

NM_004628.5(XPC):c.2033+2T>C

Gene: XPC (XPC complex subunit, DNA damage recognition and repair factor; minus strand). Cytogenetic location: 3p25.1.
Variant type: single nucleotide variant.
Coding change: c.2033+2T>C on transcript NM_004628.5 (MANE Select); the canonical splice donor site of the intron after coding-DNA position 2033, T replaced by C.
Molecular consequence: splice donor variant. On other transcripts: intron variant (1).
Genome position (GRCh38, 1-based): chr3:14,156,333, A>G on the plus strand (T>C on the coding strand, the complement: XPC is on the minus strand). VCF-style: chr3-14156333-A-G. GRCh37 (hg19) VCF-style: chr3-14197833-A-G.
Other names: c.2015+2T>C (NM_001354729.2); c.1454+2T>C (NM_001354726.2); c.1787+2T>C (NM_001354730.2); c.1872+1678T>C (NM_001354727.2).
Identifiers: ClinVar variation 844224 (VCV000844224.10), dbSNP rs794729655, ClinGen allele CA351538492.
Genomic context (GRCh38, chr3:14,156,333, plus strand): 5'-AGAAGGCTGCTAATCCCATGCCATCAGGAAGCCCCTGAGGCCAACCAGGCTGCCTCACGC[A>G]CCTGGAGTAGACCGCTTCTCCACGACAATACCCAAGGATGGCAGCTGTCTCGGGATAGAT-3'